The following is an entry in ClinVar:

ClinVar aggregate classification (germline): Conflicting classifications of pathogenicity. Review status: criteria provided, conflicting classifications (1 of 4 stars). 5 submissions from 5 submitters: Uncertain significance (4); Likely benign (1). Last evaluated 2025-02-25.

Conditions:
Inborn genetic diseases. Identifiers: MedGen C0950123, MeSH D030342.
SLC24A1-related disorder. Also called: SLC24A1-related condition.
Congenital stationary night blindness 1D. Also called: Night blindness, congenital stationary (complete), 1D, autosomal recessive. Identifiers: Orphanet 215, MedGen C3151193, MONDO:0013450, OMIM 613830.

Allele frequency attached by ClinVar (database versions not stated): gnomAD exomes 0.00006 and 0.00010; ExAC 0.00007; gnomAD 0.00007 and 0.00008; ESP Exome Variant Server 0.00008; TOPMed 0.00009.

Submissions (5):

PreventionGenetics, part of Exact Sciences
Classification: Likely benign for SLC24A1-related condition. Last evaluated: 2025-02-25. Review status: criteria provided, single submitter. Criteria: ACMG Guidelines, 2015. Collection method: clinical testing. Allele origin: germline.
Comment: This variant is classified as likely benign based on ACMG/AMP sequence variant interpretation guidelines (Richards et al. 2015 PMID: 25741868, with internal and published modifications).

Labcorp Genetics (formerly Invitae), Labcorp
Classification: Uncertain significance. Last evaluated: 2023-07-21. Review status: criteria provided, single submitter. Criteria: Invitae Variant Classification Sherloc (09022015). Collection method: clinical testing. Allele origin: germline.
Comment: Algorithms developed to predict the effect of missense changes on protein structure and function output the following: SIFT: "Not Available"; PolyPhen-2: "Benign"; Align-GVGD: "Not Available". The serine amino acid residue is found in multiple mammalian species, which suggests that this missense change does not adversely affect protein function. ClinVar contains an entry for this variant (Variation ID: 316792). This variant has not been reported in the literature in individuals affected with SLC24A1-related conditions. This variant is present in population databases (rs370617242, gnomAD 0.2%). This sequence change replaces phenylalanine, which is neutral and non-polar, with serine, which is neutral and polar, at codon 259 of the SLC24A1 protein (p.Phe259Ser). In summary, the available evidence is currently insufficient to determine the role of this variant in disease. Therefore, it has been classified as a Variant of Uncertain Significance.

Blueprint Genetics
Classification: Uncertain significance. Last evaluated: 2022-11-07. Review status: criteria provided, single submitter. Criteria: ACMG Guidelines, 2015. Collection method: clinical testing. Allele origin: germline.

Ambry Genetics
Classification: Uncertain significance for Inborn genetic diseases. Last evaluated: 2021-10-20. Review status: criteria provided, single submitter. Criteria: Ambry Variant Classification Scheme 2023. Collection method: clinical testing. Allele origin: germline.

Illumina Laboratory Services, Illumina
Classification: Uncertain significance for Congenital stationary night blindness 1D. Last evaluated: 2018-01-12. Review status: criteria provided, single submitter. Criteria: ICSL Variant Classification Criteria 13 December 2019. Collection method: clinical testing. Allele origin: germline.

NM_004727.3(SLC24A1):c.776T>C (p.Phe259Ser)

Gene: SLC24A1 (solute carrier family 24 member 1; plus strand). Cytogenetic location: 15q22.31.
Variant type: single nucleotide variant.
Coding change: c.776T>C on transcript NM_004727.3 (MANE Select); coding-DNA position 776, T replaced by C.
Protein change: p.Phe259Ser; replaces phenylalanine 259 with serine.
Molecular consequence: missense variant.
Genome position (GRCh38, 1-based): chr15:65,624,856, T>C. VCF-style: chr15-65624856-T-C. GRCh37 (hg19) VCF-style: chr15-65917194-T-C.
Other names: c.776T>C, p.Phe259Ser (NM_001301031.1, NM_001301032.1, NM_001301033.2); short protein forms F259S.
Identifiers: ClinVar variation 316792 (VCV000316792.15), dbSNP rs370617242, ClinGen allele CA7619803.